The following is an entry in ClinVar:

ClinVar aggregate classification (germline): Uncertain significance (1 of 4 stars; one submission).

Allele frequency attached by ClinVar (database versions not stated): gnomAD exomes below 0.00001.
gnomAD v4.1: 1 of 1,614,038 alleles (0.000062%); highest among the groups gnomAD compares: Non-Finnish European, 0.000085%; no homozygotes.

Submission:

Labcorp Genetics (formerly Invitae), Labcorp
Classification: Uncertain significance. Last evaluated: 2022-01-11. Review status: criteria provided, single submitter. Criteria: Invitae Variant Classification Sherloc (09022015). Collection method: clinical testing. Allele origin: germline.
Comment: In summary, the available evidence is currently insufficient to determine the role of this variant in disease. Therefore, it has been classified as a Variant of Uncertain Significance. Algorithms developed to predict the effect of missense changes on protein structure and function (SIFT, PolyPhen-2, Align-GVGD) all suggest that this variant is likely to be disruptive. This variant has not been reported in the literature in individuals affected with CPOX-related conditions. This variant is not present in population databases (gnomAD no frequency). This sequence change replaces glycine, which is neutral and non-polar, with glutamic acid, which is acidic and polar, at codon 197 of the CPOX protein (p.Gly197Glu).

NM_000097.7(CPOX):c.590G>A (p.Gly197Glu)

Gene: CPOX (coproporphyrinogen oxidase; minus strand). Cytogenetic location: 3q11.2.
Variant type: single nucleotide variant.
Coding change: c.590G>A on transcript NM_000097.7 (MANE Select); coding-DNA position 590, G replaced by A.
Protein change: p.Gly197Glu; replaces glycine 197 with glutamic acid.
Molecular consequence: missense variant.
Genome position (GRCh38, 1-based): chr3:98,591,122, C>T on the plus strand (G>A on the coding strand, the complement: CPOX is on the minus strand). VCF-style: chr3-98591122-C-T. GRCh37 (hg19) VCF-style: chr3-98309966-C-T.
Other names: short protein forms G197E.
Identifiers: ClinVar variation 2079776 (VCV002079776.4), dbSNP rs2472116862, ClinGen allele CA353646130.